The following is an entry in ClinVar:

ClinVar aggregate classification (germline): Uncertain significance. Review status: criteria provided, multiple submitters, no conflicts (2 of 4 stars). 2 submissions from 2 submitters: Uncertain significance (2). Last evaluated 2025-10-05.

Conditions:
Inborn genetic diseases. Identifiers: MedGen C0950123, MeSH D030342.

Submissions (2):

Ambry Genetics
Classification: Uncertain significance for Inborn genetic diseases. Last evaluated: 2025-10-05. Review status: criteria provided, single submitter. Criteria: Ambry Variant Classification Scheme 2023. Collection method: clinical testing. Allele origin: germline.
Comment: The p.K1285N variant (also known as c.3855A>T), located in coding exon 1 of the SAMD9L gene, results from an A to T substitution at nucleotide position 3855. The lysine at codon 1285 is replaced by asparagine, an amino acid with similar properties. This amino acid position is conserved. In addition, this alteration is predicted to be tolerated by in silico analysis. Based on the available evidence, the clinical significance of this variant remains unclear.

Labcorp Genetics (formerly Invitae), Labcorp
Classification: Uncertain significance. Last evaluated: 2025-01-25. Review status: criteria provided, single submitter. Criteria: Invitae Variant Classification Sherloc (09022015). Collection method: clinical testing. Allele origin: germline.
Comment: This sequence change replaces lysine, which is basic and polar, with asparagine, which is neutral and polar, at codon 1285 of the SAMD9L protein (p.Lys1285Asn). This variant is not present in population databases (gnomAD no frequency). This variant has not been reported in the literature in individuals affected with SAMD9L-related conditions. Invitae Evidence Modeling of protein sequence and biophysical properties (such as structural, functional, and spatial information, amino acid conservation, physicochemical variation, residue mobility, and thermodynamic stability) indicates that this missense variant is not expected to disrupt SAMD9L protein function with a negative predictive value of 80%. In summary, the available evidence is currently insufficient to determine the role of this variant in disease. Therefore, it has been classified as a Variant of Uncertain Significance.

NM_152703.5(SAMD9L):c.3855A>T (p.Lys1285Asn)

Gene: SAMD9L (sterile alpha motif domain containing 9 like; minus strand). Cytogenetic location: 7q21.2.
Variant type: single nucleotide variant.
Coding change: c.3855A>T on transcript NM_152703.5 (MANE Select); coding-DNA position 3855, A replaced by T.
Protein change: p.Lys1285Asn; replaces lysine 1285 with asparagine.
Molecular consequence: missense variant.
Genome position (GRCh38, 1-based): chr7:93,132,117, T>A on the plus strand (A>T on the coding strand, the complement: SAMD9L is on the minus strand). VCF-style: chr7-93132117-T-A. GRCh37 (hg19) VCF-style: chr7-92761430-T-A.
Other names: c.3855A>T (NM_152703.2); c.3855A>T, p.Lys1285Asn (NM_001303496.3, NM_001303497.3, NM_001303498.3 and 5 more transcripts); short protein forms K1285N.
Identifiers: ClinVar variation 3675455 (VCV003675455.3).
Genomic context (GRCh38, chr7:93,132,117, plus strand): 5'-TTCTGTGTATTTCCTGAAACAACGACTGACTTTCTTGCTTAACATGATTTCTGCAATTTC[T>A]TTTTGGGTATACCTCATTTTCAGAAGAACCATATAATCAATAAAAAAGTCAAAGCACCTT-3'
Protein context (NP_689916.2, residues 1275-1295): MVLLKMRYTQ[Lys1285Asn]EIAEIMLSKK